The following is an entry in ClinVar:

NM_015450.3(POT1):c.1279A>G (p.Lys427Glu)

Gene: POT1 (protection of telomeres 1; minus strand). Cytogenetic location: 7q31.33.
Variant type: single nucleotide variant.
Coding change: c.1279A>G on transcript NM_015450.3 (MANE Select); coding-DNA position 1279, A replaced by G.
Protein change: p.Lys427Glu; replaces lysine 427 with glutamic acid.
Molecular consequence: missense variant. On other transcripts: non-coding transcript variant (3).
Genome position (GRCh38, 1-based): chr7:124,841,063, T>C on the plus strand (A>G on the coding strand, the complement: POT1 is on the minus strand). VCF-style: chr7-124841063-T-C. GRCh37 (hg19) VCF-style: chr7-124481117-T-C.
Other names: c.886A>G, p.Lys296Glu (NM_001042594.2); short protein forms K296E, K427E.
Identifiers: ClinVar variation 1348109 (VCV001348109.8), dbSNP rs771420212, ClinGen allele CA4465175.

ClinVar aggregate classification (germline): Conflicting classifications of pathogenicity. Review status: criteria provided, conflicting classifications (1 of 4 stars). 2 submissions from 2 submitters: Uncertain significance (1); Likely benign (1). Last evaluated 2024-10-15.

Conditions:
Tumor predisposition syndrome 3 (TPDS3). Also called: Melanoma, cutaneous malignant, susceptibility to, 10; Glioma susceptibility 9; LONG TELOMERE SYNDROME, POT1-RELATED; POT1 Tumor Predisposition. Identifiers: Orphanet 618, MedGen C4014476, MONDO:0014368, OMIM 615848.
Hereditary cancer-predisposing syndrome. Also called: Neoplastic Syndromes, Hereditary; Tumor predisposition; Hereditary Cancer Syndrome; Hereditary neoplastic syndrome. Identifiers: Orphanet 140162, MedGen C0027672, MeSH D009386, MONDO:0015356.

Allele frequency attached by ClinVar (database versions not stated): gnomAD exomes below 0.00001 and 0.00001; ExAC 0.00001.
gnomAD v4.1: 4 of 1,612,842 alleles (0.00025%); highest among the groups gnomAD compares: East Asian, 0.0067%; no homozygotes.

Submissions (2):

Labcorp Genetics (formerly Invitae), Labcorp
Classification: Uncertain significance for Tumor predisposition syndrome 3. Last evaluated: 2024-10-15. Review status: criteria provided, single submitter. Criteria: Invitae Variant Classification Sherloc (09022015). Collection method: clinical testing. Allele origin: germline.
Comment: This sequence change replaces lysine, which is basic and polar, with glutamic acid, which is acidic and polar, at codon 427 of the POT1 protein (p.Lys427Glu). This variant is present in population databases (rs771420212, gnomAD 0.01%). This variant has not been reported in the literature in individuals affected with POT1-related conditions. ClinVar contains an entry for this variant (Variation ID: 1348109). Invitae Evidence Modeling of protein sequence and biophysical properties (such as structural, functional, and spatial information, amino acid conservation, physicochemical variation, residue mobility, and thermodynamic stability) indicates that this missense variant is not expected to disrupt POT1 protein function with a negative predictive value of 80%. In summary, the available evidence is currently insufficient to determine the role of this variant in disease. Therefore, it has been classified as a Variant of Uncertain Significance.

Ambry Genetics
Classification: Likely benign for Hereditary cancer-predisposing syndrome. Last evaluated: 2021-08-30. Review status: criteria provided, single submitter. Criteria: Ambry Variant Classification Scheme 2023. Collection method: clinical testing. Allele origin: germline.